The following is an entry in ClinVar:

ClinVar aggregate classification (germline): Conflicting classifications of pathogenicity. Review status: criteria provided, conflicting classifications (1 of 4 stars). 2 submissions from 2 submitters: Uncertain significance (1); Likely benign (1). Last evaluated 2025-07-23.

Conditions:
Familial cancer of breast. Also called: Hereditary breast cancer; BREAST CANCER, FAMILIAL; hereditary breast carcinoma. Identifiers: Orphanet 227535, MedGen C0346153, MONDO:0016419, OMIM 114480. Disease mechanism: loss of function.
Hereditary cancer-predisposing syndrome. Also called: Tumor predisposition; Hereditary neoplastic syndrome; Neoplastic Syndromes, Hereditary; Hereditary Cancer Syndrome. Identifiers: Orphanet 140162, MedGen C0027672, MeSH D009386, MONDO:0015356.

Submissions (2):

Labcorp Genetics (formerly Invitae), Labcorp
Classification: Uncertain significance for Familial cancer of breast. Last evaluated: 2025-07-23. Review status: criteria provided, single submitter. Criteria: Invitae Variant Classification Sherloc (09022015). Collection method: clinical testing. Allele origin: germline.
Comment: This sequence change replaces lysine, which is basic and polar, with arginine, which is basic and polar, at codon 312 of the CHEK2 protein (p.Lys312Arg). This variant is not present in population databases (gnomAD no frequency). This variant has not been reported in the literature in individuals affected with CHEK2-related conditions. ClinVar contains an entry for this variant (Variation ID: 1427623). An algorithm developed to predict the effect of missense changes on protein structure and function outputs the following: PolyPhen-2: "Benign". The arginine amino acid residue is found in multiple mammalian species, which suggests that this missense change does not adversely affect protein function. In summary, the available evidence is currently insufficient to determine the role of this variant in disease. Therefore, it has been classified as a Variant of Uncertain Significance.

Ambry Genetics
Classification: Likely benign for Hereditary cancer-predisposing syndrome. Last evaluated: 2025-03-20. Review status: criteria provided, single submitter. Criteria: Ambry Variant Classification Scheme 2023. Collection method: clinical testing. Allele origin: germline.

NM_007194.4(CHEK2):c.935A>G (p.Lys312Arg)

Gene: CHEK2 (checkpoint kinase 2; minus strand). Cytogenetic location: 22q12.1.
Variant type: single nucleotide variant.
Coding change: c.935A>G on transcript NM_007194.4 (MANE Select); coding-DNA position 935, A replaced by G.
Protein change: p.Lys312Arg; replaces lysine 312 with arginine.
Molecular consequence: missense variant.
Genome position (GRCh38, 1-based): chr22:28,699,911, T>C on the plus strand (A>G on the coding strand, the complement: CHEK2 is on the minus strand). VCF-style: chr22-28699911-T-C. GRCh37 (hg19) VCF-style: chr22-29095899-T-C.
Other names: c.1064A>G, p.Lys355Arg (NM_001005735.3); c.272A>G, p.Lys91Arg (NM_001257387.3); c.734A>G, p.Lys245Arg (NM_001349956.3); c.935A>G, p.Lys312Arg (NM_145862.3); short protein forms K355R, K245R, K91R, K312R.
Identifiers: ClinVar variation 1427623 (VCV001427623.10), dbSNP rs1157311218, ClinGen allele CA411100011.
Genomic context (GRCh38, chr22:28,699,911, plus strand): 5'-AGCATCTGGTAAAAATAGAGCTTGCAGGTAGCTTCTTTCAGGCGTTTATTCCCCACCACT[T>C]TGTCAAACAGCTCTCCCCCTTCCATCCTGAAACACAAAGGCAAGGCAAGGGGTTCATTCC-3'
Protein context (NP_009125.1, residues 302-322): ELMEGGELFD[Lys312Arg]VVGNKRLKEA